The following is an entry in ClinVar:

ClinVar aggregate classification (germline): Conflicting classifications of pathogenicity. Review status: criteria provided, conflicting classifications (1 of 4 stars). 2 submissions from 2 submitters: Pathogenic (1); Uncertain significance (1). Last evaluated 2022-03-01.

Conditions:
Intellectual developmental disorder, X-linked, syndromic, Snyder-Robinson type. Also called: SNYDER-ROBINSON MENTAL RETARDATION SYNDROME; Spermine synthase deficiency; X-linked mental retardation Snyder - Robinson type; Syndromic X-linked intellectual disability Snyder type. Identifiers: Orphanet 3063, MedGen C0796160, MONDO:0010664, OMIM 309583.

Submissions (2):

GeneDx
Classification: Pathogenic. Last evaluated: 2022-03-01. Review status: criteria provided, single submitter. Criteria: GeneDx Variant Classification Process June 2021. Collection method: clinical testing. Allele origin: germline. Affected: yes.
Comment: Variant at the last nucleotide of an exon in a gene for which loss-of-function is a known mechanism of disease, and splice predictors support a deleterious effect; Not observed at significant frequency in large population cohorts (gnomAD); In silico analysis supports that this missense variant does not alter protein structure/function; Has not been previously published as pathogenic or benign to our knowledge

HudsonAlpha Institute for Biotechnology
Classification: Uncertain significance for Intellectual developmental disorder, X-linked, syndromic, Snyder-Robinson type. Last evaluated: 2021-11-30. Review status: criteria provided, single submitter. Criteria: ACMG Guidelines, 2015. Collection method: research. Allele origin: maternal. Observed: 2 variant alleles. Study: HudsonAlpha-AGHI-WGS.
Comment: ACMG codes: PM2, PP3

NM_004595.5(SMS):c.329G>A (p.Arg110Gln)

Gene: SMS (spermine synthase; plus strand). Cytogenetic location: Xp22.11.
Variant type: single nucleotide variant.
Coding change: c.329G>A on transcript NM_004595.5 (MANE Select); coding-DNA position 329, G replaced by A.
Protein change: p.Arg110Gln; replaces arginine 110 with glutamine.
Molecular consequence: missense variant. On other transcripts: intron variant (1).
Genome position (GRCh38, 1-based): chrX:21,972,571, G>A. VCF-style: chrX-21972571-G-A. GRCh37 (hg19) VCF-style: chrX-21990689-G-A.
Other names: c.171-4490G>A (NM_001258423.2); short protein forms R110Q.
Identifiers: ClinVar variation 1344965 (VCV001344965.3), dbSNP rs2147513193, ClinGen allele CA412566213.